The following is an entry in ClinVar:

ClinVar aggregate classification (germline): Uncertain significance (1 of 4 stars; one submission).

Conditions:
Primary ciliary dyskinesia. Also called: Ciliary dyskinesia. Identifiers: Orphanet 244, MedGen C0008780, MONDO:0016575, HP:0012265.

Allele frequency attached by ClinVar (database versions not stated): gnomAD exomes below 0.00001 and 0.00002; gnomAD 0.00001; TOPMed 0.00001.

Submission:

Labcorp Genetics (formerly Invitae), Labcorp
Classification: Uncertain significance for Primary ciliary dyskinesia. Last evaluated: 2019-05-18. Review status: criteria provided, single submitter. Criteria: Invitae Variant Classification Sherloc (09022015). Collection method: clinical testing. Allele origin: germline.
Comment: This variant has not been reported in the literature in individuals with CCDC114-related conditions. In summary, the available evidence is currently insufficient to determine the role of this variant in disease. Therefore, it has been classified as a Variant of Uncertain Significance. Algorithms developed to predict the effect of missense changes on protein structure and function (SIFT, PolyPhen-2, Align-GVGD) all suggest that this variant is likely to be tolerated, but these predictions have not been confirmed by published functional studies and their clinical significance is uncertain. This variant is not present in population databases (ExAC no frequency). This sequence change replaces valine with methionine at codon 367 of the CCDC114 protein (p.Val367Met). The valine residue is weakly conserved and there is a small physicochemical difference between valine and methionine.

NM_001364171.2(ODAD1):c.1210G>A (p.Val404Met)

Gene: ODAD1 (outer dynein arm docking complex subunit 1; minus strand). Cytogenetic location: 19q13.33.
Variant type: single nucleotide variant.
Coding change: c.1210G>A on transcript NM_001364171.2 (MANE Select); coding-DNA position 1210, G replaced by A.
Protein change: p.Val404Met; replaces valine 404 with methionine.
Molecular consequence: missense variant.
Genome position (GRCh38, 1-based): chr19:48,302,724, C>T on the plus strand (G>A on the coding strand, the complement: ODAD1 is on the minus strand). VCF-style: chr19-48302724-C-T. GRCh37 (hg19) VCF-style: chr19-48805981-C-T.
Other names: c.1099G>A, p.Val367Met (NM_144577.4); short protein forms V404M, V367M.
Identifiers: ClinVar variation 944118 (VCV000944118.10), dbSNP rs1453033038, ClinGen allele CA406658953.
Genomic context (GRCh38, chr19:48,302,724, plus strand): 5'-GCTCGGGAGGGGGCGCCCATGGGTGCTCACCAGCCTTGAGCTTCTCCAGCTGTCCCCGCA[C>T]ATCCTGGAAGCGGGCCTCAAGGCGCTCAGCCTCCGAGTGCACCTTGTCCATGCGCTGCTG-3'
Protein context (NP_001351100.1, residues 394-414): AERLEARFQD[Val404Met]RGQLEKLKAD